The following is an entry in ClinVar:

NM_001122955.4(BSCL2):c.487-14G>A

Genes: HNRNPUL2-BSCL2 (HNRNPUL2-BSCL2 readthrough (NMD candidate); minus strand), BSCL2 (BSCL2 lipid droplet biogenesis associated, seipin; minus strand). Cytogenetic location: 11q12.3.
Variant type: single nucleotide variant.
Coding change: c.487-14G>A on transcript NM_001122955.4 (MANE Select); 14 bases into the intron before coding-DNA position 487, G replaced by A.
Molecular consequence: intron variant.
Genome position (GRCh38, 1-based): chr11:62,694,725, C>T on the plus strand (G>A on the coding strand, the complement: BSCL2 is on the minus strand). VCF-style: chr11-62694725-C-T. GRCh37 (hg19) VCF-style: chr11-62462197-C-T.
Other names: c.295-14G>A (NM_001130702.2, NM_032667.6); c.487-14G>A (NM_001386028.1, NM_001386027.1).
Identifiers: ClinVar variation 246212 (VCV000246212.10), dbSNP rs189771133, ClinGen allele CA6053544.
Genomic context (GRCh38, chr11:62,694,725, plus strand): 5'-AGCTCAAGCTCTAAGGTAACACGATACGGCTGTCCATACATCAGCACCTGCCAAAGGTAG[C>T]CCCCATTTCTTTAAAAAAATTTTTTTGTTGAAAATGTACTGTCTCTATTCCACCTCCCTC-3'

ClinVar aggregate classification (germline): Conflicting classifications of pathogenicity. Review status: criteria provided, conflicting classifications (1 of 4 stars). 2 submissions from 2 submitters: Uncertain significance (1); Benign (1). Last evaluated 2026-01-06.

Conditions:
Charcot-Marie-Tooth disease type 2. Also called: Charcot-Marie-Tooth type 2. Identifiers: Orphanet 64746, MedGen C0270914, MONDO:0018993.

Allele frequency attached by ClinVar (database versions not stated): TOPMed 0.00092; ESP Exome Variant Server 0.00108; gnomAD exomes 0.00008 and 0.00022; ExAC 0.00031; gnomAD 0.00076 and 0.00080; 1000 Genomes Project 0.00140; 1000 Genomes Project 30x 0.00125.
gnomAD v4.1: 236 of 1,613,476 alleles (0.015%); highest among the groups gnomAD compares: African/African-American, 0.3%; no homozygotes.

Submissions (2):

Labcorp Genetics (formerly Invitae), Labcorp
Classification: Benign for Charcot-Marie-Tooth disease type 2. Last evaluated: 2026-01-06. Review status: criteria provided, single submitter. Criteria: Invitae Variant Classification Sherloc (09022015). Collection method: clinical testing. Allele origin: germline.

GeneDx
Classification: Uncertain significance. Last evaluated: 2017-03-31. Review status: criteria provided, single submitter. Criteria: GeneDx Variant Classification (06012015). Collection method: clinical testing. Allele origin: germline. Affected: yes.
Comment: The c.295-14 G>A variant has not been published as a pathogenic variant, nor has it been reported as a benign variant to our knowledge. The c.295-14 G>A variant is observed in 34/9732 (0.3%) alleles from individuals of African background (Lek et al., 2016; 1000 Genomes Consortium et al., 2015; Exome Variant Server). This substitution occurs at a position that is not conserved. In-silico splice prediction models predict that c.295-14 G>A may damage the natural acceptor site in intron 3 and lead to abnormal gene splicing. However, in the absence of RNA/functional studies, the actual effect of this sequence change in this individual is unknown. Therefore, based on the currently available information, it is unclear whether this variant is a pathogenic variant or a rare benign variant.